The following is an entry in ClinVar:

ClinVar aggregate classification (germline): Conflicting classifications of pathogenicity. Review status: criteria provided, conflicting classifications (1 of 4 stars). 2 submissions from 2 submitters: Uncertain significance (1); Likely benign (1). Last evaluated 2024-05-06.

Conditions:
Lethal Kniest-like syndrome (DDSH). Also called: Dyssegmental Dysplasia. Identifiers: Orphanet 1865, MedGen C1857100, MONDO:0009140, OMIM 224410.

Allele frequency attached by ClinVar (database versions not stated): gnomAD 0.00001; ExAC 0.00002; gnomAD exomes 0.00002; TOPMed 0.00002; 1000 Genomes Project 30x 0.00016.
gnomAD v4.1: 32 of 1,610,740 alleles (0.002%); highest among the groups gnomAD compares: East Asian, 0.011%; no homozygotes.

Submissions (2):

Labcorp Genetics (formerly Invitae), Labcorp
Classification: Likely benign. Last evaluated: 2024-05-06. Review status: criteria provided, single submitter. Criteria: Invitae Variant Classification Sherloc (09022015). Collection method: clinical testing. Allele origin: germline.

Centre for Mendelian Genomics, University Medical Centre Ljubljana
Classification: Uncertain significance for Lethal Kniest-like syndrome. Last evaluated: 2018-09-26. Review status: criteria provided, single submitter. Criteria: ACMG Guidelines, 2015. Collection method: clinical testing. Allele origin: unknown. Affected: yes.
Comment: This variant was classified as: Uncertain significance. The available evidence on this variant's pathogenicity is insufficient or conflicting. The following ACMG criteria were applied in classifying this variant: PM2,BP4.

NM_005529.7(HSPG2):c.1508-10C>T

Gene: HSPG2 (heparan sulfate proteoglycan 2; minus strand). Cytogenetic location: 1p36.12.
Variant type: single nucleotide variant.
Coding change: c.1508-10C>T on transcript NM_005529.7 (MANE Select); 10 bases into the intron before coding-DNA position 1508, C replaced by T.
Molecular consequence: intron variant.
Genome position (GRCh38, 1-based): chr1:21,884,684, G>A on the plus strand (C>T on the coding strand, the complement: HSPG2 is on the minus strand). VCF-style: chr1-21884684-G-A. GRCh37 (hg19) VCF-style: chr1-22211177-G-A.
Other names: c.1508-7C>T (NM_001291860.2).
Identifiers: ClinVar variation 930662 (VCV000930662.5), dbSNP rs765166428, ClinGen allele CA673408.